The following is an entry in ClinVar:

NM_001009944.3(PKD1):c.9270C>T (p.Val3090=)

Gene: PKD1 (polycystin 1, transient receptor potential channel interacting; minus strand). Cytogenetic location: 16p13.3.
Variant type: single nucleotide variant.
Coding change: c.9270C>T on transcript NM_001009944.3 (MANE Select); coding-DNA position 9270, C replaced by T.
Protein change: p.Val3090=; no amino-acid change (valine 3090 retained).
Molecular consequence: synonymous variant.
Genome position (GRCh38, 1-based): chr16:2,102,188, G>A on the plus strand (C>T on the coding strand, the complement: PKD1 is on the minus strand). VCF-style: chr16-2102188-G-A. GRCh37 (hg19) VCF-style: chr16-2152189-G-A.
Other names: p.Val3090=; c.9270C>T, p.Val3090= (NM_000296.4).
Identifiers: ClinVar variation 257041 (VCV000257041.49), dbSNP rs149056734, ClinGen allele CA7830151.

ClinVar aggregate classification (germline): Benign. Review status: criteria provided, multiple submitters, no conflicts (2 of 4 stars). 12 submissions from 12 submitters: Benign (8). 4 of the submissions do not count toward it. Last evaluated 2026-09-01.

Conditions:
PKD1-related disorder. Also called: PKD1-related condition.
Autosomal dominant polycystic kidney disease. Identifiers: Orphanet 730, MedGen C0085413, MONDO:0004691.
Polycystic kidney disease, adult type (PKD1). Also called: POLYCYSTIC KIDNEY DISEASE, ADULT, TYPE I; Polycystic Kidney, Autosomal Dominant; Polycystic Kidney Disease 1, Autosomal Dominant; Polycystic kidney disease 1; Polycystic kidney disease 1, severe; POLYCYSTIC KIDNEY DISEASE 1 WITH OR WITHOUT POLYCYSTIC LIVER DISEASE. Identifiers: MedGen C3149841, MONDO:0008263, OMIM 173900.
Polycystic kidney disease. Also called: Kidney, Polycystic; Polycystic kidney dysplasia. Identifiers: MedGen C0022680, MeSH D007690, MONDO:0020642, HP:0000113.

Allele frequency attached by ClinVar (database versions not stated): 1000 Genomes Project 30x 0.00547; 1000 Genomes Project 0.00619; ESP Exome Variant Server 0.00661; TOPMed 0.00714; gnomAD 0.00736 and 0.00752; gnomAD exomes 0.01006 and 0.01091; ExAC 0.01818.
gnomAD v4.1: 15,992 of 1,507,574 alleles (1.1%); highest among the groups gnomAD compares: Middle Eastern, 2.3%; 180 homozygotes.

Submissions (12):

CeGaT Center for Human Genetics Tuebingen
Classification: Benign. Last evaluated: 2026-09-01. Review status: criteria provided, single submitter. Criteria: CeGaT Center For Human Genetics Tuebingen Variant Classification Criteria Version 2. Collection method: clinical testing. Allele origin: germline. Affected: yes. Observed: 18 variant alleles.
Comment: PKD1: BP4, BP7, BS1, BS2

Women's Health and Genetics/Laboratory Corporation of America, LabCorp
Classification: Benign. Last evaluated: 2025-04-25. Review status: criteria provided, single submitter. Criteria: LabCorp Variant Classification Summary - May 2015. Collection method: clinical testing. Allele origin: germline.

Blueprint Genetics
Classification: Benign. Last evaluated: 2024-11-27. Review status: criteria provided, single submitter. Criteria: ACMG Guidelines, 2015. Collection method: clinical testing. Allele origin: germline.

Mayo Clinic Laboratories, Mayo Clinic
Classification: Benign. Last evaluated: 2023-02-17. Review status: criteria provided, single submitter. Criteria: ACMG Guidelines, 2015. Collection method: clinical testing. Allele origin: germline. Observed: 21 variant alleles.
Comment: BS1, BS2, BP4, BP7

GeneDx
Classification: Benign. Last evaluated: 2020-11-03. Review status: criteria provided, single submitter. Criteria: GeneDx Variant Classification Process June 2021. Collection method: clinical testing. Allele origin: germline. Affected: yes.
Comment: This variant is associated with the following publications: (PMID: 17574468, 22008521, 22383692, 11571556)

ARUP Laboratories, Molecular Genetics and Genomics, ARUP Laboratories
Classification: Benign for Polycystic kidney disease, adult type. Last evaluated: 2020-02-20. Review status: criteria provided, single submitter. Criteria: ARUP Molecular Germline Variant Investigation Process. Collection method: clinical testing. Allele origin: germline.

Molecular Genetics of Inherited Kidney Disorders Laboratory, Garvan Institute of Medical Research
Classification: Benign for Autosomal dominant polycystic kidney disease. Last evaluated: 2019-01-01. Review status: criteria provided, single submitter. Criteria: ACMG Guidelines, 2015. Collection method: research. Allele origin: germline. Affected: yes.

Breakthrough Genomics
Classification: Benign. Review status: criteria provided, single submitter. Criteria: ACMG Guidelines, 2015. Collection method: not provided. Allele origin: germline. Inheritance: Autosomal dominant inheritance. Affected: yes.

PreventionGenetics, part of Exact Sciences
Classification: Benign for PKD1-related condition. Last evaluated: 2019-10-31. Review status: no assertion criteria provided. Collection method: clinical testing. Allele origin: germline. Not counted in ClinVar's aggregate classification.
Comment: This variant is classified as benign based on ACMG/AMP sequence variant interpretation guidelines (Richards et al. 2015 PMID: 25741868, with internal and published modifications).

Department of Pathology and Laboratory Medicine, Sinai Health System
Classification: Benign for Polycystic Kidney disease. Review status: no assertion criteria provided. Collection method: clinical testing. Allele origin: unknown. Affected: yes. Observed: 2 variant alleles. Study: The Canadian Open Genetics Repository (COGR). Not counted in ClinVar's aggregate classification.
Comment: The PKD1 p.Val3090Val variant was identified as a polymorphism in 8 of 804 proband chromosomes (frequency: 0.010) from individuals or families with ADPKD (Bataille 2011, Garcia-Gonzalez 2007, Rossetti 2012, Bouba 2001). The variant was also identified in dbSNP (ID: rs149056734) as â€šÃ„ÃºWith unknown alleleâ€šÃ„Ã¹, with a minor allele frequency of 0.0062 (31 of 5000 chromosomes in 1000 Genomes Project). The variant was identified in the NHLBI Exome Sequencing Project in 47 of 5946 European Americans and 4 of 2224 African American chromosomes. This variant was identified in the Exome Aggregation Consortium database (March 14, 2016) in 292 of 16060 chromosomes (frequency: 0.018 or 5 of 876 African , 19 of 508 Latino , 187 of 5858 European (Non-Finnish), 74 of 7872 South Asians, 5 of 90 Finnish and 2 of 156 other chromosomes and was not in found East Asian populations. The variant was identified in GeneInsight by one submitter and classified as benign. The variant was also identified in the PKD Mutation Database and classified as likely neutral. The p.Val3090Val variant is not expected to have clinical significance because it does not result in a change of amino acid and is not located in a known consensus splice site. In addition, in silico or computational prediction software programs (SpliceSiteFinder, MaxEntScan, NNSPLICE, GeneSplicer, HumanSpliceFinder) do not predict a difference in splicing. In summary, based on the above information, this variant meets our laboratory criteria to be classified as benign.

Joint Genome Diagnostic Labs from Nijmegen and Maastricht, Radboudumc and MUMC+
Classification: Benign. Review status: no assertion criteria provided. Collection method: clinical testing. Allele origin: germline. Affected: yes. Study: VKGL Data-share Consensus. Not counted in ClinVar's aggregate classification.

Laboratory of Diagnostic Genome Analysis, Leiden University Medical Center (LUMC)
Classification: Likely benign. Review status: no assertion criteria provided. Collection method: clinical testing. Allele origin: germline. Affected: yes. Study: VKGL Data-share Consensus. Not counted in ClinVar's aggregate classification.